The following is an entry in ClinVar:

ClinVar aggregate classification (germline): Uncertain significance. Review status: criteria provided, multiple submitters, no conflicts (2 of 4 stars). 2 submissions from 2 submitters: Uncertain significance (2). Last evaluated 2026-05-13.

Conditions:
GLB1-related disorder. Also called: GLB1-related disorders. Identifiers: MedGen CN377807.

Submissions (2):

Myriad Genetics, Inc.
Classification: Uncertain significance for GLB1-related disorder. Last evaluated: 2026-05-13. Review status: criteria provided, single submitter. Criteria: Myriad Autosomal Dominant, Autosomal Recessive and X-Linked Classification Criteria (2023). Collection method: clinical testing. Allele origin: unknown.
Comment: NM_000404.2(GLB1):c.391G>A(E131K) is a missense variant classified as a variant of uncertain significance in the context of GLB1-related disorders. E131K has been observed in cases with relevant disease (PMID: 21520340). Relevant functional assessments of this variant are available in the literature (PMID: 21520340). E131K has not been observed in referenced population frequency databases. In summary, there is insufficient evidence to classify NM_000404.2(GLB1):c.391G>A(E131K) as pathogenic or benign. Please note: this variant was assessed in the context of healthy population screening.

Women's Health and Genetics/Laboratory Corporation of America, LabCorp
Classification: Uncertain significance. Last evaluated: 2024-12-23. Review status: criteria provided, single submitter. Criteria: LabCorp Variant Classification Summary - May 2015. Collection method: clinical testing. Allele origin: germline.
Comment: Variant summary: GLB1 c.391G>A (p.Glu131Lys) results in a conservative amino acid change in the encoded protein sequence. Four of five in-silico tools predict a damaging effect of the variant on protein function. The variant was absent in 249502 control chromosomes. c.391G>A has been reported in the literature in one individual affected with Mucopolysaccharidosis Type IVB (Morquio Syndrome B) (Higaki_2011). These data do not allow any conclusion about variant significance. At least one publication reports experimental evidence evaluating an impact on protein function. The most pronounced variant effect results in about 13% of normal activity in mouse fibroblasts (Higaki_2011). The following publication has been ascertained in the context of this evaluation (PMID: 21520340). No submitters have cited clinical-significance assessments for this variant to ClinVar. Based on the evidence outlined above, the variant was classified as VUS-possibly pathogenic.

Literature cited by the submitters: PubMed 21520340 (cited by Myriad Genetics, Inc. and Women's Health and Genetics/Laboratory Corporation of America, LabCorp).

NM_000404.4(GLB1):c.391G>A (p.Glu131Lys)

Gene: GLB1 (galactosidase beta 1; minus strand). Cytogenetic location: 3p22.3.
Variant type: single nucleotide variant.
Coding change: c.391G>A on transcript NM_000404.4 (MANE Select); coding-DNA position 391, G replaced by A.
Protein change: p.Glu131Lys; replaces glutamic acid 131 with lysine.
Molecular consequence: missense variant. On other transcripts: intron variant (1).
Genome position (GRCh38, 1-based): chr3:33,068,825, C>T on the plus strand (G>A on the coding strand, the complement: GLB1 is on the minus strand). VCF-style: chr3-33068825-C-T. GRCh37 (hg19) VCF-style: chr3-33110317-C-T.
Other names: c.301G>A, p.Glu101Lys (NM_001079811.3); c.535G>A, p.Glu179Lys (NM_001317040.2); c.391G>A, p.Glu131Lys (NM_001393580.1); c.246-3268G>A (NM_001135602.3); short protein forms E101K, E131K, E179K.
Identifiers: ClinVar variation 3768483 (VCV003768483.2).